The following is an entry in ClinVar:

NM_080860.4(RSPH1):c.709G>C (p.Asp237His)

Gene: RSPH1 (radial spoke head component 1; minus strand). Cytogenetic location: 21q22.3.
Variant type: single nucleotide variant.
Coding change: c.709G>C on transcript NM_080860.4 (MANE Select); coding-DNA position 709, G replaced by C.
Protein change: p.Asp237His; replaces aspartic acid 237 with histidine.
Molecular consequence: missense variant.
Genome position (GRCh38, 1-based): chr21:42,477,309, C>G on the plus strand (G>C on the coding strand, the complement: RSPH1 is on the minus strand). VCF-style: chr21-42477309-C-G. GRCh37 (hg19) VCF-style: chr21-43897419-C-G.
Other names: c.595G>C, p.Asp199His (NM_001286506.2); c.709G>C (NM_080860.2); short protein forms D237H, D199H.
Identifiers: ClinVar variation 454948 (VCV000454948.10), dbSNP rs368695982, ClinGen allele CA321550012.
Genomic context (GRCh38, chr21:42,477,309, plus strand): 5'-CCCTCTGCCCCCTCCACCCCACAGCCCGGGGGTGCCCCACACTCTCAGCTCCTGGAGCGT[C>G]TTGGCCAGGTCCATCCGTAGAGGTCGGCTTTTTGGGGAGAGTTGGTGTCCACAGGGCCAA-3'
Protein context (NP_543136.1, residues 227-247): KPTSTDGPGQ[Asp237His]APGAESAGEP

ClinVar aggregate classification (germline): Uncertain significance. Review status: criteria provided, multiple submitters, no conflicts (2 of 4 stars). 2 submissions from 2 submitters: Uncertain significance (2). Last evaluated 2025-05-20.

Conditions:
Inborn genetic diseases. Identifiers: MedGen C0950123, MeSH D030342.
Primary ciliary dyskinesia. Also called: Ciliary dyskinesia. Identifiers: Orphanet 244, MedGen C0008780, MONDO:0016575, HP:0012265.

Allele frequency attached by ClinVar (database versions not stated): gnomAD exomes below 0.00001 and 0.00001; gnomAD 0.00001; TOPMed 0.00002; ESP Exome Variant Server 0.00008.
gnomAD v4.1: 4 of 1,613,924 alleles (0.00025%); highest among the groups gnomAD compares: Admixed American, 0.0017%; no homozygotes.

Submissions (2):

Ambry Genetics
Classification: Uncertain significance for Inborn genetic diseases. Last evaluated: 2025-05-20. Review status: criteria provided, single submitter. Criteria: Ambry Variant Classification Scheme 2023. Collection method: clinical testing. Allele origin: germline.

Labcorp Genetics (formerly Invitae), Labcorp
Classification: Uncertain significance for Primary ciliary dyskinesia. Last evaluated: 2022-07-19. Review status: criteria provided, single submitter. Criteria: Invitae Variant Classification Sherloc (09022015). Collection method: clinical testing. Allele origin: germline.
Comment: Algorithms developed to predict the effect of missense changes on protein structure and function are either unavailable or do not agree on the potential impact of this missense change (SIFT: "Tolerated"; PolyPhen-2: "Possibly Damaging"; Align-GVGD: "Class C0"). In summary, the available evidence is currently insufficient to determine the role of this variant in disease. Therefore, it has been classified as a Variant of Uncertain Significance. ClinVar contains an entry for this variant (Variation ID: 454948). This variant has not been reported in the literature in individuals affected with RSPH1-related conditions. This variant is present in population databases (rs368695982, gnomAD 0.004%). This sequence change replaces aspartic acid, which is acidic and polar, with histidine, which is basic and polar, at codon 237 of the RSPH1 protein (p.Asp237His).